The following is an entry in ClinVar:

ClinVar aggregate classification (germline): Pathogenic (1 of 4 stars; one submission).

Submission:

GeneDx
Classification: Pathogenic. Last evaluated: 2023-12-30. Review status: criteria provided, single submitter. Criteria: GeneDx Variant Classification Process June 2021. Collection method: clinical testing. Allele origin: germline. Affected: yes.
Comment: Located in the highly conserved Gly-X-Y repeat of the collagenous domain; Glycine substitution variants in this region of the COLVII protein destabilize the collagen triple helix resulting in skin fragility due to poor anchoring of the basement membrane to the underlying dermis (Pfendner and Lucky, 2018); Not observed at significant frequency in large population cohorts (gnomAD); In silico analysis supports that this missense variant has a deleterious effect on protein structure/function; This variant is associated with the following publications: (PMID: 21448560, 36287101)

NM_000094.4(COL7A1):c.6716G>T (p.Gly2239Val)

Gene: COL7A1 (collagen type VII alpha 1 chain; minus strand). Cytogenetic location: 3p21.31.
Variant type: single nucleotide variant.
Coding change: c.6716G>T on transcript NM_000094.4 (MANE Select); coding-DNA position 6716, G replaced by T.
Protein change: p.Gly2239Val; replaces glycine 2239 with valine.
Molecular consequence: missense variant.
Genome position (GRCh38, 1-based): chr3:48,573,055, C>A on the plus strand (G>T on the coding strand, the complement: COL7A1 is on the minus strand). VCF-style: chr3-48573055-C-A. GRCh37 (hg19) VCF-style: chr3-48610488-C-A.
Other names: short protein forms G2239V.
Identifiers: ClinVar variation 3340259 (VCV003340259.1).